The following is an entry in ClinVar:

ClinVar aggregate classification (germline): Likely benign (1 of 4 stars; one submission).

Allele frequency attached by ClinVar (database versions not stated): gnomAD exomes below 0.00001.
gnomAD v4.1: 1 of 1,613,936 alleles (0.000062%); highest among the groups gnomAD compares: South Asian, 0.0011%; no homozygotes.

Submission:

CeGaT Center for Human Genetics Tuebingen
Classification: Likely benign. Last evaluated: 2023-01-01. Review status: criteria provided, single submitter. Criteria: CeGaT Center For Human Genetics Tuebingen Variant Classification Criteria Version 2. Collection method: clinical testing. Allele origin: germline. Affected: yes. Observed: 1 variant allele.
Comment: AMPD1: PM2:Supporting, BP4, BP7

NM_000036.3(AMPD1):c.1875A>G (p.Leu625=)

Gene: AMPD1 (adenosine monophosphate deaminase 1; minus strand). Cytogenetic location: 1p13.2.
Variant type: single nucleotide variant.
Coding change: c.1875A>G on transcript NM_000036.3 (MANE Select); coding-DNA position 1875, A replaced by G.
Protein change: p.Leu625=; no amino-acid change (leucine 625 retained).
Molecular consequence: synonymous variant.
Genome position (GRCh38, 1-based): chr1:114,674,008, T>C on the plus strand (A>G on the coding strand, the complement: AMPD1 is on the minus strand). VCF-style: chr1-114674008-T-C. GRCh37 (hg19) VCF-style: chr1-115216629-T-C.
Other names: c.1863A>G, p.Leu621= (NM_001172626.2).
Identifiers: ClinVar variation 2498412 (VCV002498412.28), dbSNP rs2526336682, ClinGen allele CA420177903.
Genomic context (GRCh38, chr1:114,674,008, plus strand): 5'-TGAGATCATTAGCCCTTTCTGAAGGAAATCCAAAAAAGGATTTTTGGCATACTCTAGAAA[T>C]AGGCTATTGTTACTTAGTGGTGACATGGCGATGGGAATTTGGGCTAAGAAAAACAAGTAC-3'
Protein context (NP_000027.3, residues 615-635): IAMSPLSNNS[Leu625=]FLEYAKNPFL